The following is an entry in ClinVar:

NM_002354.3(EPCAM):c.52G>C (p.Ala18Pro)

Gene: EPCAM (epithelial cell adhesion molecule; plus strand). Cytogenetic location: 2p21.
Variant type: single nucleotide variant.
Coding change: c.52G>C on transcript NM_002354.3 (MANE Select); coding-DNA position 52, G replaced by C.
Protein change: p.Ala18Pro; replaces alanine 18 with proline.
Molecular consequence: missense variant.
Genome position (GRCh38, 1-based): chr2:47,369,557, G>C. VCF-style: chr2-47369557-G-C. GRCh37 (hg19) VCF-style: chr2-47596696-G-C.
Other names: short protein forms A18P.
Identifiers: ClinVar variation 3222120 (VCV003222120.1), dbSNP rs2103738184, ClinGen allele CA346721416.
Genomic context (GRCh38, chr2:47,369,557, plus strand): 5'-GCGCGCAGCATGGCGCCCCCGCAGGTCCTCGCGTTCGGGCTTCTGCTTGCCGCGGCGACG[G>C]CGACTTTTGCCGCAGCTCAGGAAGGTGAGGCGCGGATTGGAGCAGAGTTGTGGAGCTGGG-3'
Protein context (NP_002345.2, residues 8-28): AFGLLLAAAT[Ala18Pro]TFAAAQEECV

ClinVar aggregate classification (germline): Uncertain significance (1 of 4 stars; one submission).

Conditions:
Hereditary cancer-predisposing syndrome. Also called: Tumor predisposition; Hereditary neoplastic syndrome; Hereditary Cancer Syndrome; Neoplastic Syndromes, Hereditary. Identifiers: Orphanet 140162, MedGen C0027672, MeSH D009386, MONDO:0015356.

Submission:

Ambry Genetics
Classification: Uncertain significance for Hereditary cancer-predisposing syndrome. Last evaluated: 2022-12-11. Review status: criteria provided, single submitter. Criteria: Ambry Variant Classification Scheme 2023. Collection method: clinical testing. Allele origin: germline.
Comment: The p.A18P variant (also known as c.52G>C), located in coding exon 1 of the EPCAM gene, results from a G to C substitution at nucleotide position 52. The alanine at codon 18 is replaced by proline, an amino acid with highly similar properties. This amino acid position is conserved. In addition, the in silico prediction for this alteration is inconclusive. Since supporting evidence is limited at this time, the clinical significance of this alteration remains unclear.